The following is an entry in ClinVar:

NM_173728.4(ARHGEF15):c.934+3G>T

Gene: ARHGEF15 (Rho guanine nucleotide exchange factor 15; plus strand). Cytogenetic location: 17p13.1.
Variant type: single nucleotide variant.
Coding change: c.934+3G>T on transcript NM_173728.4 (MANE Select); 3 bases into the intron after coding-DNA position 934, G replaced by T.
Molecular consequence: intron variant.
Genome position (GRCh38, 1-based): chr17:8,313,257, G>T. VCF-style: chr17-8313257-G-T. GRCh37 (hg19) VCF-style: chr17-8216575-G-T.
Other names: c.934+3G>T (NM_025014.2).
Identifiers: ClinVar variation 1358600 (VCV001358600.7), dbSNP rs2151636754, ClinGen allele CA2573154747.

ClinVar aggregate classification (germline): Uncertain significance (1 of 4 stars; one submission).

Conditions:
Early-infantile DEE. Also called: Early infantile epileptic encephalopathy with suppression bursts; Early infantile epileptic encephalopathy; Ohtahara syndrome. Identifiers: Orphanet 1934, MedGen C0393706, MONDO:0800491.

Submission:

Labcorp Genetics (formerly Invitae), Labcorp
Classification: Uncertain significance for Early-infantile DEE. Last evaluated: 2025-07-28. Review status: criteria provided, single submitter. Criteria: Invitae Variant Classification Sherloc (09022015). Collection method: clinical testing. Allele origin: germline.
Comment: This sequence change falls in intron 3 of the ARHGEF15 gene. It does not directly change the encoded amino acid sequence of the ARHGEF15 protein. It affects a nucleotide within the consensus splice site. This variant is not present in population databases (gnomAD no frequency). This variant has not been reported in the literature in individuals affected with ARHGEF15-related conditions. ClinVar contains an entry for this variant (Variation ID: 1358600). Variants that disrupt the consensus splice site are a relatively common cause of aberrant splicing (PMID: 17576681, 9536098). Algorithms developed to predict the effect of sequence changes on RNA splicing suggest that this variant is not likely to affect RNA splicing. In summary, the available evidence is currently insufficient to determine the role of this variant in disease. Therefore, it has been classified as a Variant of Uncertain Significance.

Literature cited by the submitters: PubMed 17576681; PubMed 9536098.